The following is an entry in ClinVar:

ClinVar aggregate classification (germline): Uncertain significance (1 of 4 stars; one submission).

gnomAD v4.1: 1 of 1,557,216 alleles (0.000064%); highest among the groups gnomAD compares: Non-Finnish European, 0.000087%; no homozygotes.

Submission:

Ambry Genetics
Classification: Uncertain significance. Last evaluated: 2025-03-20. Review status: criteria provided, single submitter. Criteria: Ambry Variant Classification Scheme 2023. Collection method: clinical testing. Allele origin: germline.
Comment: The p.P654L variant (also known as c.1961C>T), located in coding exon 8 of the WNK2 gene, results from a C to T substitution at nucleotide position 1961. The proline at codon 654 is replaced by leucine, an amino acid with similar properties. This amino acid position is conserved. In addition, the in silico prediction for this alteration is inconclusive. Based on the available evidence, the clinical significance of this variant remains unclear.

NM_006648.4(WNK2):c.1961C>T (p.Pro654Leu)

Gene: WNK2 (WNK lysine deficient protein kinase 2; plus strand). Cytogenetic location: 9q22.31.
Variant type: single nucleotide variant.
Coding change: c.1961C>T on transcript NM_006648.4 (MANE Select); coding-DNA position 1961, C replaced by T.
Protein change: p.Pro654Leu; replaces proline 654 with leucine.
Molecular consequence: missense variant.
Genome position (GRCh38, 1-based): chr9:93,253,009, C>T. VCF-style: chr9-93253009-C-T. GRCh37 (hg19) VCF-style: chr9-96015291-C-T.
Other names: c.1961C>T, p.Pro654Leu (NM_001282394.3); short protein forms P654L.
Identifiers: ClinVar variation 3981688 (VCV003981688.1).